The following is an entry in ClinVar:

NM_002474.3(MYH11):c.4016G>T (p.Arg1339Leu)

Genes: MYH11 (myosin heavy chain 11; minus strand), NDE1 (nudE neurodevelopment protein 1; plus strand). Cytogenetic location: 16p13.11.
Variant type: single nucleotide variant.
Coding change: c.4016G>T on transcript NM_002474.3 (MANE Select); coding-DNA position 4016, G replaced by T.
Protein change: p.Arg1339Leu; replaces arginine 1339 with leucine.
Molecular consequence: missense variant. On other transcripts: 3 prime UTR variant (2).
Genome position (GRCh38, 1-based): chr16:15,724,747, C>A on the plus strand (G>T on the coding strand, the complement: MYH11 is on the minus strand). VCF-style: chr16-15724747-C-A. GRCh37 (hg19) VCF-style: chr16-15818604-C-A.
Other names: c.4037G>T, p.Arg1346Leu (NM_001040113.2, NM_001040114.2); c.4016G>T, p.Arg1339Leu (NM_022844.3); c.*496C>A (NM_001143979.2, NM_017668.3); short protein forms R1339L, R1346L.
Identifiers: ClinVar variation 5019489 (VCV005019489.3).
Genomic context (GRCh38, chr16:15,724,747, plus strand): 5'-TTGGCCTCCATCTCCTCGTCCAGCTGGTCTTGCAGGCTGTTCCGCTCCTCCTCCAGCTGG[C>A]GCAGCTTCGTAGACACGTTGAGCTTCTGCCGGGTTTCTTCTTGAAGCAGCTCCTGCAAAA-3'
Protein context (NP_002465.1, residues 1329-1349): RQKLNVSTKL[Arg1339Leu]QLEEERNSLQ

ClinVar aggregate classification (germline): Uncertain significance (1 of 4 stars; one submission).

Conditions:
Visceral myopathy 2. Identifiers: MedGen C5543466, MONDO:0859157, OMIM 619350.
Megacystis-microcolon-intestinal hypoperistalsis syndrome 2. Identifiers: MedGen C5543476, MONDO:0025708, OMIM 619351.
Aortic aneurysm, familial thoracic 4 (AAT4). Also called: AORTIC ANEURYSM/AORTIC DISSECTION AND PATENT DUCTUS ARTERIOSUS. Identifiers: MedGen C1851504, MONDO:0007568, OMIM 132900.

Submission:

Juno Genomics, Hangzhou Juno Genomics, Inc
Classification: Uncertain significance for Visceral myopathy 2; Aortic aneurysm, familial thoracic 4; Megacystis-microcolon-intestinal hypoperistalsis syndrome 2. Review status: criteria provided, single submitter. Criteria: ACMG Guidelines, 2015. Collection method: clinical testing. Allele origin: germline.
Comment: Absent from controls (or at extremely low frequency if recessive) in Genome Aggregation Database.;Multiple lines of computational evidence support a deleterious effect on the gene or gene product.;Missense variant in a gene that has a low rate of benign missense variation.